The following continues an entry in ClinVar:

NM_014874.4(MFN2):c.2119C>T (p.Arg707Trp)

Gene: MFN2. ClinVar aggregate classification (germline): Pathogenic/Likely pathogenic. Pathogenic (23); Likely pathogenic (6).

Submissions 7 to 18 of 33:

ARUP Laboratories, Molecular Genetics and Genomics, ARUP Laboratories
Classification: Likely pathogenic. Last evaluated: 2025-04-02. Review status: criteria provided, single submitter. Criteria: ARUP Molecular Germline Variant Investigation Process 2024. Collection method: clinical testing. Allele origin: germline.
Comment: The MFN2 c.2119C>T; p.Arg707Trp variant (rs119103267, ClinVar Variation ID 2280) is reported in the literature in the heterozygous, compound heterozygous, and homozygous states in individuals affected with Charcot-Marie-Tooth disease (Braathen 2010, Calvo 2009, Nicholson 2008, Sawyer 2015, Sitarz 2012, Volodarsky 2021), hereditary motor and sensory neuropathy (Bansagi 2017, Brozkova 2013), and lipomatosis (Capel 2018, Eldin 2021, Rocha 2017). Milder disease or later onset was observed in affected heterozygous individuals (Bansagi 2017, Brozkova 2013). The variant co-segregated with Charcot-Marie-Tooth disease in two families (Braathen 2010, Sawyer 2015) but has also been detected in the heterozygous state in unaffected carriers (Brozkova 2013, Rocha 2017). Additionally, another amino acid substitution at this codon (p.Arg707Pro) has been reported in individuals affected with Charcot-Marie-Tooth disease (Sitarz 2012, Vielhaber 2013). The p.Arg707Trp variant is found in the non-Finnish European population with an allele frequency of 0.05% (66/129,186 alleles) in the Genome Aggregation Database (v2.1.1). Computational analyses predict that this variant is deleterious (REVEL: 0.839). Based on available information, the p.Arg707Trp variant is considered to be likely pathogenic. References: Bansagi B et al. Genetic heterogeneity of motor neuropathies. Neurology. 2017 Mar 28;88(13):1226-1234. PMID: 28251916. Braathen GJ et al. MFN2 point mutations occur in 3.4% of Charcot-Marie-Tooth families. An investigation of 232 Norwegian CMT families. BMC Med Genet. 2010 Mar 29;11:48. PMID: 20350294. Brozkova DS et al. Spectrum and frequencies of mutations in the MFN2 gene and its phenotypical expression in Czech hereditary motor and sensory neuropathy type II patients. Mol Med Rep. 2013 Dec;8(6):1779-84. PMID: 24126688. Calvo J et al. Genotype-phenotype correlations in Charcot-Marie-Tooth disease type 2 caused by mitofusin 2 mutations. Arch Neurol. 2009 Dec;66(12):1511-6. PMID: 20008656. Capel E et al. MFN2-associated lipomatosis: Clinical spectrum and impact on adipose tissue. J Clin Lipidol. 2018 Nov-Dec;12(6):1420-1435. PMID: 30158064. Eldin AJ et al. Cardiac phenotype in familial partial lipodystrophy. Clin Endocrinol (Oxf). 2021 Jun;94(6):1043-1053. PMID: 33502018. Nicholson GA et al. Severe early-onset axonal neuropathy with homozygous and compound heterozygous MFN2 mutations. Neurology. 2008 May 6;70(19):1678-81. PMID: 18458227. Rocha N et al. Human biallelic MFN2 mutations induce mitochondrial dysfunction, upper body adipose hyperplasia, and suppression of leptin expression. Elife. 2017 Apr 19;6:e23813. PMID: 28414270. Sawyer SL et al. Homozygous mutations in MFN2 cause multiple symmetric lipomatosis associated with neuropathy. Hum Mol Genet. 2015 Sep 15;24(18):5109-14. PMID: 26085578. Sitarz KS et al. MFN2 mutations cause compensatory mitochondrial DNA proliferation. Brain. 2012 Aug;135(Pt 8):e219, 1-3; author reply e220, 1-3. Epub 2012 Apr 4. PMID: 22492563. Vielhaber S et al. Mitofusin 2 mutations affect mitochondrial function by mitochondrial DNA depletion. Acta Neuropathol. 2013 Feb;125(2):245-56. PMID: 22926664. Volodarsky M et al. Comprehensive genetic sequence and copy number analysis for Charcot-Marie-Tooth disease in a Canadian cohort of 2517 patients. J Med Genet. 2021 Apr;58(4):284-288. PMID: 32376792.

CeGaT Center for Human Genetics Tuebingen
Classification: Pathogenic. Last evaluated: 2025-04-01. Review status: criteria provided, single submitter. Criteria: CeGaT Center For Human Genetics Tuebingen Variant Classification Criteria Version 2. Collection method: clinical testing. Allele origin: germline. Affected: yes. Observed: 4 variant alleles.
Comment: MFN2: PM3:Very Strong, PM2:Supporting, PM5:Supporting, PP1, PS3:Supporting

Women's Health and Genetics/Laboratory Corporation of America, LabCorp
Classification: Pathogenic for MFN2-Related Disorders. Last evaluated: 2024-12-10. Review status: criteria provided, single submitter. Criteria: LabCorp Variant Classification Summary - May 2015. Collection method: clinical testing. Allele origin: germline.
Comment: Variant summary: MFN2 c.2119C>T (p.Arg707Trp) results in a non-conservative amino acid change located in the Fzo/mitofusin HR2 domain (IPR006884) of the encoded protein sequence. Five of five in-silico tools predict a damaging effect of the variant on protein function. The variant allele was found at a frequency of 0.00025 in 251494 control chromosomes. This frequency is not significantly higher than estimated for a pathogenic variant in MFN2 causing MFN2-Related Disorders, allowing no conclusion about variant significance. c.2119C>T has been reported in the literature in multiple individuals affected with MFN2-Related Disorders, including one homozygote diagnosed with severe early onset axonal neuropathy (e.g. Nicholson_2008), and several compound heterozygotes diagnosed with Charcot-Marie-Tooth disease (e.g. Calvo_2009, Brozkova_2013, Pipis_2020). These data indicate that the variant is very likely to be associated with disease and are consistent with an autosomal recessive inheritance pattern. Additionally, affected individuals (e.g. Braathen_2010) and unaffected individuals have been reportes as heterozygous carriers, therefore the relationship of this variant to autosomal dominant disease is unclear. At least one publication reports experimental evidence evaluating an impact on protein function, showing that the variant protein resulted in mitochondrial aggregation and defects in homo-oligomerization (Sawyer_2015). The following publications have been ascertained in the context of this evaluation (PMID: 20350294, 24126688, 20008656, 18458227, 33415332, 26085578). ClinVar contains an entry for this variant (Variation ID: 2280). Based on the evidence outlined above, the variant was classified as pathogenic.

Blueprint Genetics
Classification: Pathogenic for MFN2-related disorders. Last evaluated: 2024-11-11. Review status: criteria provided, single submitter. Criteria: ACMG Guidelines, 2015. Collection method: clinical testing. Allele origin: germline. Affected: yes. Observed: 5 variant alleles.

Mayo Clinic Laboratories, Mayo Clinic
Classification: Pathogenic. Last evaluated: 2024-10-16. Review status: criteria provided, single submitter. Criteria: ACMG Guidelines, 2015. Collection method: clinical testing. Allele origin: germline. Observed: 2 variant alleles.
Comment: PP1_strong, PP3, PM3, PS3

Institute of Human Genetics, University of Leipzig Medical Center
Classification: Pathogenic for Charcot-Marie-Tooth disease, axonal, autosomal recessive, type 2a2b;. Last evaluated: 2023-01-30. Review status: criteria provided, single submitter. Criteria: ACMG Guidelines, 2015. Collection method: clinical testing. Allele origin: unknown. Affected: yes.
Comment: _x000D_This variant was identified together with NM_014874.4:c.1160+1G>A. Criteria applied: PM3_VSTR, PS3_SUP, PP3

Ambry Genetics
Classification: Pathogenic for Inborn genetic diseases. Last evaluated: 2022-11-04. Review status: criteria provided, single submitter. Criteria: Ambry Variant Classification Scheme 2023. Collection method: clinical testing. Allele origin: germline.
Comment: The c.2119C>T (p.R707W) alteration is located in exon 18 (coding exon 16) of the MFN2 gene. This alteration results from a C to T substitution at nucleotide position 2119, causing the arginine (R) at amino acid position 707 to be replaced by a tryptophan (W)._x000D_ _x000D_ Based on the available evidence, the MFN2 c.2119C>T (p.R707W) alteration is classified as pathogenic for autosomal recessive MFN2-related neuropathy; however, it is unlikely to be causative of autosomal dominant MFN2-related neuropathy. Based on data from gnomAD, the T allele has an overall frequency of 0.025% (71/282876) total alleles studied. The highest observed frequency was 0.051% (66/129186) of European (non-Finnish) alleles. This alteration was reported in the homozygous state or in trans with another MFN2 variant in multiple individuals with axonal neuropathy and lipodystrophy (Nicholson, 2008; Calvo, 2009; Carr, 2015; Sawyer, 2015; Rocha, 2017; Capel, 2018). Heterozygous parents with affected children have been reported to be asymptomatic (Nicholson, 2008; Carr, 2015; Rocha, 2017). This amino acid position is well conserved in available vertebrate species. Functional analysis in patient fibroblasts demonstrated that the p.R707W alteration impairs mitofusin 2 homodimer formation leading to mitochondrial aggregation (Sawyer, 2015). This alteration is predicted to be deleterious by in silico analysis. Based on the available evidence, this alteration is classified as pathogenic.

HudsonAlpha Institute for Biotechnology
Classification: Likely pathogenic for Charcot-Marie-Tooth disease type 2A2; Charcot-Marie-Tooth disease, axonal, autosomal recessive, type 2a2b;. Last evaluated: 2022-09-26. Review status: criteria provided, single submitter. Criteria: ACMG Guidelines, 2015. Collection method: research. Allele origin: unknown. Observed: 1 variant allele. Study: HudsonAlpha-COAGS.

Clinical Genetics Laboratory, Skane University Hospital Lund
Classification: Pathogenic. Last evaluated: 2022-05-27. Review status: criteria provided, single submitter. Criteria: ACMG Guidelines, 2015. Collection method: clinical testing. Allele origin: germline. Affected: yes.

3billion
Classification: Likely pathogenic for Charcot-Marie-Tooth disease, axonal, autosomal recessive, type 2a2b;. Last evaluated: 2022-05-22. Review status: criteria provided, single submitter. Criteria: ACMG Guidelines, 2015. Collection method: clinical testing. Allele origin: germline. Affected: yes. Observed: 1 heterozygote.
Comment: The variant is observed at an extremely low frequency in the gnomAD v2.1.1 dataset (total allele frequency: 0.025%). Missense changes are a common disease-causing mechanism. In silico tool predictions suggest damaging effect of the variant on gene or gene product (REVEL: 0.84; 3Cnet: 0.86). Same nucleotide change resulting in same amino acid change has been previously reported as pathogenic/likely pathogenic with strong evidence (ClinVar ID: VCV000002280). A different missense change at the same codon (p.Arg707Pro) has been reported to be associated with MFN2 related disorder (ClinVar ID: VCV000637750 / PMID: 22492563). Therefore, this variant is classified as likely pathogenic according to the recommendation of ACMG/AMP guideline.

Mendelics
Classification: Pathogenic for Neuropathy, hereditary motor and sensory, type 6A. Last evaluated: 2022-05-04. Review status: criteria provided, single submitter. Criteria: Mendelics Assertion Criteria 2019. Collection method: clinical testing. Allele origin: germline.

Fulgent Genetics
Classification: Pathogenic for Neuropathy, hereditary motor and sensory, type 6A; Charcot-Marie-Tooth disease type 2A2; Charcot-Marie-Tooth disease, axonal, autosomal recessive, type 2a2b;. Last evaluated: 2022-03-22. Review status: criteria provided, single submitter. Criteria: ACMG Guidelines, 2015. Collection method: clinical testing. Allele origin: unknown.